The following is an entry in ClinVar:

ClinVar aggregate classification (germline): Uncertain significance (1 of 4 stars; one submission).

Conditions:
DK1-congenital disorder of glycosylation. Also called: DK1-CDG; DOLK-congenital disorder of glycosylation; Carbohydrate deficient glycoprotein syndrome type 1m; CDG Im; DK1 DEFICIENCY; DOLICHOL KINASE DEFICIENCY. Identifiers: Orphanet 91131, MedGen C1835849, MONDO:0012556, OMIM 610768.

Allele frequency attached by ClinVar (database versions not stated): gnomAD exomes 0.00001.

Submission:

Labcorp Genetics (formerly Invitae), Labcorp
Classification: Uncertain significance for DK1-congenital disorder of glycosylation. Last evaluated: 2023-05-22. Review status: criteria provided, single submitter. Criteria: Invitae Variant Classification Sherloc (09022015). Collection method: clinical testing. Allele origin: germline.
Comment: This sequence change replaces glycine, which is neutral and non-polar, with arginine, which is basic and polar, at codon 434 of the DOLK protein (p.Gly434Arg). This variant is not present in population databases (gnomAD no frequency). This missense change has been observed in individual(s) with dilated cardiomyopathy (PMID: 31983221). ClinVar contains an entry for this variant (Variation ID: 1377915). Advanced modeling of protein sequence and biophysical properties (such as structural, functional, and spatial information, amino acid conservation, physicochemical variation, residue mobility, and thermodynamic stability) performed at Invitae indicates that this missense variant is expected to disrupt DOLK protein function. In summary, the available evidence is currently insufficient to determine the role of this variant in disease. Therefore, it has been classified as a Variant of Uncertain Significance.

Literature cited by the submitters: PubMed 31983221.

NM_014908.4(DOLK):c.1300G>A (p.Gly434Arg)

Gene: DOLK (dolichol kinase; minus strand). Cytogenetic location: 9q34.11.
Variant type: single nucleotide variant.
Coding change: c.1300G>A on transcript NM_014908.4 (MANE Select); coding-DNA position 1300, G replaced by A.
Protein change: p.Gly434Arg; replaces glycine 434 with arginine.
Molecular consequence: missense variant.
Genome position (GRCh38, 1-based): chr9:128,946,004, C>T on the plus strand (G>A on the coding strand, the complement: DOLK is on the minus strand). VCF-style: chr9-128946004-C-T. GRCh37 (hg19) VCF-style: chr9-131708283-C-T.
Other names: short protein forms G434R.
Identifiers: ClinVar variation 1377915 (VCV001377915.8), dbSNP rs2131127105, ClinGen allele CA375118045.